The following is an entry in ClinVar:

ClinVar aggregate classification (germline): Conflicting classifications of pathogenicity. Review status: criteria provided, conflicting classifications (1 of 4 stars). 5 submissions from 5 submitters: Uncertain significance (1); Benign (1); Likely benign (3). Last evaluated 2025-06-24.

Conditions:
Familial acute necrotizing encephalopathy (IIAE3). Also called: Susceptibility to Acute Necrotizing Encephalopathy 1; ENCEPHALOPATHY, ACUTE, INFECTION-INDUCED, SUSCEPTIBILITY TO, 3. Identifiers: Orphanet 88619, MedGen C2675556, MONDO:0011953, OMIM 608033.

Allele frequency attached by ClinVar (database versions not stated): gnomAD 0.00022; gnomAD exomes 0.00100.
gnomAD v4.1: 1,499 of 1,610,358 alleles (0.093%); highest among the groups gnomAD compares: Non-Finnish European, 0.12%; 1 homozygote.

Submissions (5):

Ambry Genetics
Classification: Uncertain significance. Last evaluated: 2025-06-24. Review status: criteria provided, single submitter. Criteria: Ambry Variant Classification Scheme 2023. Collection method: clinical testing. Allele origin: germline.

Blueprint Genetics
Classification: Likely benign. Last evaluated: 2024-10-17. Review status: criteria provided, single submitter. Criteria: ACMG Guidelines, 2015. Collection method: clinical testing. Allele origin: germline.

CeGaT Center for Human Genetics Tuebingen
Classification: Benign. Last evaluated: 2023-01-01. Review status: criteria provided, single submitter. Criteria: CeGaT Center For Human Genetics Tuebingen Variant Classification Criteria Version 2. Collection method: clinical testing. Allele origin: germline. Affected: yes. Observed: 1 variant allele.
Comment: RANBP2: BP4, BS1, BS2

Labcorp Genetics (formerly Invitae), Labcorp
Classification: Likely benign for Familial acute necrotizing encephalopathy. Last evaluated: 2022-12-02. Review status: criteria provided, single submitter. Criteria: Invitae Variant Classification Sherloc (09022015). Collection method: clinical testing. Allele origin: germline.

Fulgent Genetics
Classification: Likely benign for Familial acute necrotizing encephalopathy. Last evaluated: 2022-01-28. Review status: criteria provided, single submitter. Criteria: ACMG Guidelines, 2015. Collection method: clinical testing. Allele origin: unknown.

NM_006267.5(RANBP2):c.7340C>T (p.Ser2447Phe)

Gene: RANBP2 (RAN binding protein 2; plus strand). Cytogenetic location: 2q13.
Variant type: single nucleotide variant.
Coding change: c.7340C>T on transcript NM_006267.5 (MANE Select); coding-DNA position 7340, C replaced by T.
Protein change: p.Ser2447Phe; replaces serine 2447 with phenylalanine.
Molecular consequence: missense variant.
Genome position (GRCh38, 1-based): chr2:108,767,879, C>T. VCF-style: chr2-108767879-C-T. GRCh37 (hg19) VCF-style: chr2-109384335-C-T.
Other names: short protein forms S2447F.
Identifiers: ClinVar variation 469484 (VCV000469484.38), dbSNP rs200750445, ClinGen allele CA1823564.
Genomic context (GRCh38, chr2:108,767,879, plus strand): 5'-ATGTTGCAGACTCGTTTAAGAAAATTTTTGATGAAGCAAAAACAGCCCAGGAAAAAGATT[C>T]TTTGATAACACCTCATGTTTCTCGGTCAAGCACTCCCAGAGAGTCACCATGTGGCAAAAT-3'
Protein context (NP_006258.3, residues 2437-2457): DEAKTAQEKD[Ser2447Phe]LITPHVSRSS